The following is an entry in ClinVar:

ClinVar aggregate classification (germline): Uncertain significance (1 of 4 stars; one submission).

Submission:

Women's Health and Genetics/Laboratory Corporation of America, LabCorp
Classification: Uncertain significance. Last evaluated: 2026-03-25. Review status: criteria provided, single submitter. Criteria: LabCorp Variant Classification Summary - May 2015. Collection method: clinical testing. Allele origin: germline.
Comment: Variant summary: TLR8 c.2399A>G (p.Asp800Gly) results in a non-conservative amino acid change in the encoded protein sequence. Algorithms developed to predict the effect of missense changes on protein structure and function are either unavailable or do not agree on the potential impact of this missense change. The variant was absent in 182894 control chromosomes. The available data on variant occurrences in the general population are insufficient to allow any conclusion about variant significance. To our knowledge, no occurrence of c.2399A>G in individuals affected with TLR8-related conditions and no experimental evidence demonstrating its impact on protein function have been reported. No submitters have cited clinical-significance assessments for this variant to ClinVar. Based on the evidence outlined above, the variant was classified as uncertain significance.

NM_138636.5(TLR8):c.2399A>G (p.Asp800Gly)

Genes: TLR8 (toll like receptor 8; plus strand), TLR8-AS1 (TLR8 antisense RNA 1; minus strand). Cytogenetic location: Xp22.2.
Variant type: single nucleotide variant.
Coding change: c.2399A>G on transcript NM_138636.5 (MANE Select); coding-DNA position 2399, A replaced by G.
Protein change: p.Asp800Gly; replaces aspartic acid 800 with glycine.
Molecular consequence: missense variant.
Genome position (GRCh38, 1-based): chrX:12,921,439, A>G. VCF-style: chrX-12921439-A-G. GRCh37 (hg19) VCF-style: chrX-12939558-A-G.
Other names: c.2453A>G, p.Asp818Gly (NM_016610.4); short protein forms D800G, D818G.
Identifiers: ClinVar variation 4847698 (VCV004847698.1).
Genomic context (GRCh38, chrX:12,921,439, plus strand): 5'-TTGGAGATTTCCGAAGATGGATGGATGAACATCTGAATGTCAAAATTCCCAGACTGGTAG[A>G]TGTCATTTGTGCCAGTCCTGGGGATCAAAGAGGGAAGAGTATTGTGAGTCTGGAGCTAAC-3'
Protein context (NP_619542.1, residues 790-810): HLNVKIPRLV[Asp800Gly]VICASPGDQR